The following is an entry in ClinVar:

ClinVar aggregate classification (germline): Uncertain significance. Review status: criteria provided, multiple submitters, no conflicts (2 of 4 stars). 2 submissions from 2 submitters: Uncertain significance (2). Last evaluated 2022-05-23.

Conditions:
Maturity-onset diabetes of the young type 7 (MODY7). Identifiers: Orphanet 552, MedGen C1864839, MONDO:0012513, OMIM 610508.

Allele frequency attached by ClinVar (database versions not stated): TOPMed 0.00001.
gnomAD v4.1: 3 of 1,612,472 alleles (0.00019%); highest among the groups gnomAD compares: Non-Finnish European, 0.00025%; no homozygotes.

Submissions (2):

Fulgent Genetics
Classification: Uncertain significance for Maturity-onset diabetes of the young type 7. Last evaluated: 2022-05-23. Review status: criteria provided, single submitter. Criteria: ACMG Guidelines, 2015. Collection method: clinical testing. Allele origin: unknown.

Labcorp Genetics (formerly Invitae), Labcorp
Classification: Uncertain significance. Last evaluated: 2021-08-26. Review status: criteria provided, single submitter. Criteria: Invitae Variant Classification Sherloc (09022015). Collection method: clinical testing. Allele origin: germline.
Comment: In summary, the available evidence is currently insufficient to determine the role of this variant in disease. Therefore, it has been classified as a Variant of Uncertain Significance. Algorithms developed to predict the effect of sequence changes on RNA splicing suggest that this variant may create or strengthen a splice site. Algorithms developed to predict the effect of missense changes on protein structure and function (SIFT, PolyPhen-2, Align-GVGD) all suggest that this variant is likely to be tolerated. This variant has not been reported in the literature in individuals affected with KLF11-related conditions. This variant is not present in population databases (ExAC no frequency). This sequence change replaces glycine with valine at codon 346 of the KLF11 protein (p.Gly346Val). The glycine residue is weakly conserved and there is a moderate physicochemical difference between glycine and valine.

NM_003597.5(KLF11):c.1037G>T (p.Gly346Val)

Gene: KLF11 (KLF transcription factor 11; plus strand). Cytogenetic location: 2p25.1.
Variant type: single nucleotide variant.
Coding change: c.1037G>T on transcript NM_003597.5 (MANE Select); coding-DNA position 1037, G replaced by T.
Protein change: p.Gly346Val; replaces glycine 346 with valine.
Molecular consequence: missense variant.
Genome position (GRCh38, 1-based): chr2:10,048,374, G>T. VCF-style: chr2-10048374-G-T. GRCh37 (hg19) VCF-style: chr2-10188501-G-T.
Other names: c.986G>T, p.Gly329Val (NM_001177716.2, NM_001177718.2); short protein forms G329V, G346V.
Identifiers: ClinVar variation 1497699 (VCV001497699.7), dbSNP rs964899969, ClinGen allele CA42430059.